The following is an entry in ClinVar:

NM_018723.4(RBFOX1):c.988A>G (p.Ser330Gly)

Gene: RBFOX1 (RNA binding fox-1 homolog 1; plus strand). Cytogenetic location: 16p13.3.
Variant type: single nucleotide variant.
Coding change: c.988A>G on transcript NM_018723.4 (MANE Select); coding-DNA position 988, A replaced by G.
Protein change: p.Ser330Gly; replaces serine 330 with glycine.
Molecular consequence: missense variant.
Genome position (GRCh38, 1-based): chr16:7,676,831, A>G. VCF-style: chr16-7676831-A-G. GRCh37 (hg19) VCF-style: chr16-7726833-A-G.
Other names: c.907A>G, p.Ser303Gly (NM_001142333.2); c.988A>G, p.Ser330Gly (NM_001142334.2, NM_001364800.2); c.1117A>G, p.Ser373Gly (NM_001308117.1, NM_001411047.1, NM_001415891.1 and 1 more transcripts); c.1585A>G, p.Ser529Gly (NM_001415887.1); c.1504A>G, p.Ser502Gly (NM_001415888.1); c.1096A>G, p.Ser366Gly (NM_001415889.1, NM_001415892.1, NM_001415894.1 and 1 more transcripts); c.1063A>G, p.Ser355Gly (NM_001415890.1, NM_001415893.1, NM_001415899.1 and 1 more transcripts); c.1048A>G, p.Ser350Gly (NM_001415896.1, NM_001415904.1); and 13 more; short protein forms S305G, S335G, S339G, S342G, S346G, S350G, S355G, S366G.
Identifiers: ClinVar variation 2802885 (VCV002802885.3), dbSNP rs1352846497, ClinGen allele CA394684081.

ClinVar aggregate classification (germline): Uncertain significance (1 of 4 stars; one submission).

Conditions:
Idiopathic generalized epilepsy. Also called: Generalised epilepsy; EIG. Identifiers: MedGen C0270850, MONDO:0005579, OMIM 600669.

Allele frequency attached by ClinVar (database versions not stated): gnomAD exomes below 0.00001; TOPMed below 0.00001; gnomAD 0.00001.
gnomAD v4.1: 5 of 1,612,602 alleles (0.00031%); highest among the groups gnomAD compares: African/African-American, 0.0053%; no homozygotes.

Submission:

Labcorp Genetics (formerly Invitae), Labcorp
Classification: Uncertain significance for Idiopathic generalized epilepsy. Last evaluated: 2024-11-24. Review status: criteria provided, single submitter. Criteria: Invitae Variant Classification Sherloc (09022015). Collection method: clinical testing. Allele origin: germline.
Comment: This sequence change replaces serine, which is neutral and polar, with glycine, which is neutral and non-polar, at codon 351 of the RBFOX1 protein (p.Ser351Gly). This variant is present in population databases (no rsID available, gnomAD no frequency). This variant has not been reported in the literature in individuals affected with RBFOX1-related conditions. ClinVar contains an entry for this variant (Variation ID: 2802885). Invitae Evidence Modeling of protein sequence and biophysical properties (such as structural, functional, and spatial information, amino acid conservation, physicochemical variation, residue mobility, and thermodynamic stability) indicates that this missense variant is not expected to disrupt RBFOX1 protein function with a negative predictive value of 80%. In summary, the available evidence is currently insufficient to determine the role of this variant in disease. Therefore, it has been classified as a Variant of Uncertain Significance.